The following is an entry in ClinVar:

NM_001194998.2(CEP152):c.4201A>C (p.Thr1401Pro)

Gene: CEP152 (centrosomal protein 152; minus strand). Cytogenetic location: 15q21.1.
Variant type: single nucleotide variant.
Coding change: c.4201A>C on transcript NM_001194998.2 (MANE Select); coding-DNA position 4201, A replaced by C.
Protein change: p.Thr1401Pro; replaces threonine 1401 with proline.
Molecular consequence: missense variant.
Genome position (GRCh38, 1-based): chr15:48,739,181, T>G on the plus strand (A>C on the coding strand, the complement: CEP152 is on the minus strand). VCF-style: chr15-48739181-T-G. GRCh37 (hg19) VCF-style: chr15-49031378-T-G.
Other names: c.4033A>C (NM_014985.3); c.4033A>C, p.Thr1345Pro (NM_014985.4); short protein forms T1345P, T1401P.
Identifiers: ClinVar variation 1415214 (VCV001415214.6), dbSNP rs1253411553, ClinGen allele CA392336083.

ClinVar aggregate classification (germline): Uncertain significance. Review status: criteria provided, multiple submitters, no conflicts (2 of 4 stars). 2 submissions from 2 submitters: Uncertain significance (2). Last evaluated 2025-09-27.

Conditions:
Inborn genetic diseases. Identifiers: MedGen C0950123, MeSH D030342.

Allele frequency attached by ClinVar (database versions not stated): gnomAD exomes below 0.00001; TOPMed below 0.00001; gnomAD 0.00001.
gnomAD v4.1: 2 of 1,614,002 alleles (0.00012%); highest among the groups gnomAD compares: African/African-American, 0.0027%; no homozygotes.

Submissions (2):

Ambry Genetics
Classification: Uncertain significance for Inborn genetic diseases. Last evaluated: 2025-09-27. Review status: criteria provided, single submitter. Criteria: Ambry Variant Classification Scheme 2023. Collection method: clinical testing. Allele origin: germline.

Labcorp Genetics (formerly Invitae), Labcorp
Classification: Uncertain significance. Last evaluated: 2024-04-29. Review status: criteria provided, single submitter. Criteria: Invitae Variant Classification Sherloc (09022015). Collection method: clinical testing. Allele origin: germline.
Comment: This sequence change replaces threonine, which is neutral and polar, with proline, which is neutral and non-polar, at codon 1345 of the CEP152 protein (p.Thr1345Pro). This variant is not present in population databases (gnomAD no frequency). This variant has not been reported in the literature in individuals affected with CEP152-related conditions. ClinVar contains an entry for this variant (Variation ID: 1415214). An algorithm developed to predict the effect of missense changes on protein structure and function (PolyPhen-2) suggests that this variant is likely to be tolerated. In summary, the available evidence is currently insufficient to determine the role of this variant in disease. Therefore, it has been classified as a Variant of Uncertain Significance.